The following is an entry in ClinVar:

ClinVar aggregate classification (germline): Uncertain significance (1 of 4 stars; one submission).

Allele frequency attached by ClinVar (database versions not stated): gnomAD exomes below 0.00001.
gnomAD v4.1: 2 of 1,602,538 alleles (0.00012%); highest among the groups gnomAD compares: Admixed American, 0.0017%; no homozygotes.

Submission:

GeneDx
Classification: Uncertain significance. Last evaluated: 2023-03-02. Review status: criteria provided, single submitter. Criteria: GeneDx Variant Classification Process June 2021. Collection method: clinical testing. Allele origin: germline. Affected: yes.
Comment: Not observed at significant frequency in large population cohorts (gnomAD); In silico analysis supports that this missense variant does not alter protein structure/function; Has not been previously published as pathogenic or benign to our knowledge

NM_173477.5(USH1G):c.580G>T (p.Ala194Ser)

Gene: USH1G (USH1 protein network component sans; minus strand). Cytogenetic location: 17q25.1.
Variant type: single nucleotide variant.
Coding change: c.580G>T on transcript NM_173477.5 (MANE Select); coding-DNA position 580, G replaced by T.
Protein change: p.Ala194Ser; replaces alanine 194 with serine.
Molecular consequence: missense variant.
Genome position (GRCh38, 1-based): chr17:74,920,256, C>A on the plus strand (G>T on the coding strand, the complement: USH1G is on the minus strand). VCF-style: chr17-74920256-C-A. GRCh37 (hg19) VCF-style: chr17-72916351-C-A.
Other names: c.271G>T, p.Ala91Ser (NM_001282489.3); short protein forms A194S, A91S.
Identifiers: ClinVar variation 2578041 (VCV002578041.1), dbSNP rs974350317, ClinGen allele CA400964457.